The following is an entry in ClinVar:

NM_025132.4(WDR19):c.1226G>C (p.Trp409Ser)

Gene: WDR19 (WD repeat domain 19; plus strand). Cytogenetic location: 4p14.
Variant type: single nucleotide variant.
Coding change: c.1226G>C on transcript NM_025132.4 (MANE Select); coding-DNA position 1226, G replaced by C.
Protein change: p.Trp409Ser; replaces tryptophan 409 with serine.
Molecular consequence: missense variant.
Genome position (GRCh38, 1-based): chr4:39,216,187, G>C. VCF-style: chr4-39216187-G-C. GRCh37 (hg19) VCF-style: chr4-39217807-G-C.
Other names: c.746G>C, p.Trp249Ser (NM_001317924.2); short protein forms W249S, W409S.
Identifiers: ClinVar variation 3762716 (VCV003762716.3).

ClinVar aggregate classification (germline): Uncertain significance. Review status: criteria provided, multiple submitters, no conflicts (2 of 4 stars). 2 submissions from 2 submitters: Uncertain significance (2). Last evaluated 2024-06-30.

Conditions:
Asphyxiating thoracic dystrophy 5 (SRTD5). Also called: SHORT-RIB THORACIC DYSPLASIA 5 WITH OR WITHOUT POLYDACTYLY; SHORT-RIB THORACIC DYSPLASIA 5 WITHOUT POLYDACTYLY. Identifiers: Orphanet 474, MedGen C3280598, MONDO:0013717, OMIM 614376.
Senior-Loken syndrome 8 (SLSN8). Identifiers: Orphanet 3156, MedGen C4225376, MONDO:0014579, OMIM 616307.

gnomAD v4.1: 1 of 1,576,254 alleles (0.000063%); highest among the groups gnomAD compares: Non-Finnish European, 0.000086%; no homozygotes.

Submissions (2):

Labcorp Genetics (formerly Invitae), Labcorp
Classification: Uncertain significance for Senior-Loken syndrome 8; Asphyxiating thoracic dystrophy 5. Last evaluated: 2024-06-30. Review status: criteria provided, single submitter. Criteria: Invitae Variant Classification Sherloc (09022015). Collection method: clinical testing. Allele origin: germline.
Comment: This sequence change replaces tryptophan, which is neutral and slightly polar, with serine, which is neutral and polar, at codon 409 of the WDR19 protein (p.Trp409Ser). This variant is not present in population databases (gnomAD no frequency). This variant has not been reported in the literature in individuals affected with WDR19-related conditions. Advanced modeling of protein sequence and biophysical properties (such as structural, functional, and spatial information, amino acid conservation, physicochemical variation, residue mobility, and thermodynamic stability) has been performed at Invitae for this missense variant, however the output from this modeling did not meet the statistical confidence thresholds required to predict the impact of this variant on WDR19 protein function. In summary, the available evidence is currently insufficient to determine the role of this variant in disease. Therefore, it has been classified as a Variant of Uncertain Significance.

Blueprint Genetics
Classification: Uncertain significance. Last evaluated: 2018-11-19. Review status: criteria provided, single submitter. Criteria: ACMG Guidelines, 2015. Collection method: clinical testing. Allele origin: germline.